The following is an entry in ClinVar:

NM_001291415.2(KDM6A):c.2065T>C (p.Ser689Pro)

Gene: KDM6A (lysine demethylase 6A; plus strand). Cytogenetic location: Xp11.3.
Variant type: single nucleotide variant.
Coding change: c.2065T>C on transcript NM_001291415.2 (MANE Select); coding-DNA position 2065, T replaced by C.
Protein change: p.Ser689Pro; replaces serine 689 with proline.
Molecular consequence: missense variant. On other transcripts: non-coding transcript variant (1).
Genome position (GRCh38, 1-based): chrX:45,063,803, T>C. VCF-style: chrX-45063803-T-C. GRCh37 (hg19) VCF-style: chrX-44923048-T-C.
Other names: c.1807T>C, p.Ser603Pro (NM_001419814.1, NM_001410742.1); c.1672T>C, p.Ser558Pro (NM_001419815.1, NM_001291418.2); c.1909T>C, p.Ser637Pro (NM_021140.4, NM_001419812.1); c.1930T>C, p.Ser644Pro (NM_001291416.2, NM_001419811.1); c.1774T>C, p.Ser592Pro (NM_001291417.2); c.1021T>C, p.Ser341Pro (NM_001291421.2); c.2065T>C, p.Ser689Pro (NM_001419809.1); c.1963T>C, p.Ser655Pro (NM_001419810.1, NM_001419813.1); short protein forms S341P, S558P, S637P, S689P, S592P, S603P, S644P, S655P.
Identifiers: ClinVar variation 2781611 (VCV002781611.3), dbSNP rs2148000339, ClinGen allele CA412790995.

ClinVar aggregate classification (germline): Uncertain significance (1 of 4 stars; one submission).

Conditions:
Kabuki syndrome 2 (KABUK2). Also called: KDM6A-Related Kabuki Syndrome. Identifiers: Orphanet 2322, MedGen C3275495, MONDO:0010465, OMIM 300867.

Submission:

Labcorp Genetics (formerly Invitae), Labcorp
Classification: Uncertain significance for Kabuki syndrome 2. Last evaluated: 2024-04-29. Review status: criteria provided, single submitter. Criteria: Invitae Variant Classification Sherloc (09022015). Collection method: clinical testing. Allele origin: germline.
Comment: This sequence change replaces serine, which is neutral and polar, with proline, which is neutral and non-polar, at codon 637 of the KDM6A protein (p.Ser637Pro). This variant is not present in population databases (gnomAD no frequency). This variant has not been reported in the literature in individuals affected with KDM6A-related conditions. Advanced modeling of protein sequence and biophysical properties (such as structural, functional, and spatial information, amino acid conservation, physicochemical variation, residue mobility, and thermodynamic stability) performed at Invitae indicates that this missense variant is not expected to disrupt KDM6A protein function with a negative predictive value of 80%. In summary, the available evidence is currently insufficient to determine the role of this variant in disease. Therefore, it has been classified as a Variant of Uncertain Significance.